The following is an entry in ClinVar:

ClinVar aggregate classification (germline): Uncertain significance (1 of 4 stars; one submission).

Conditions:
Inborn genetic diseases. Identifiers: MedGen C0950123, MeSH D030342.

Submission:

Ambry Genetics
Classification: Uncertain significance for Inborn genetic diseases. Last evaluated: 2025-11-05. Review status: criteria provided, single submitter. Criteria: Ambry Variant Classification Scheme 2023. Collection method: clinical testing. Allele origin: germline.
Comment: The p.N156S variant (also known as c.467A>G), located in coding exon 3 of the ANKRD26 gene, results from an A to G substitution at nucleotide position 467. The asparagine at codon 156 is replaced by serine, an amino acid with highly similar properties. This amino acid position is conserved. In addition, this alteration is predicted to be tolerated by in silico analysis. Based on the available evidence, the clinical significance of this variant remains unclear.

NM_014915.3(ANKRD26):c.467A>G (p.Asn156Ser)

Gene: ANKRD26 (ankyrin repeat domain 26; minus strand). Cytogenetic location: 10p12.1.
Variant type: single nucleotide variant.
Coding change: c.467A>G on transcript NM_014915.3 (MANE Select); coding-DNA position 467, A replaced by G.
Protein change: p.Asn156Ser; replaces asparagine 156 with serine.
Molecular consequence: missense variant.
Genome position (GRCh38, 1-based): chr10:27,093,413, T>C on the plus strand (A>G on the coding strand, the complement: ANKRD26 is on the minus strand). VCF-style: chr10-27093413-T-C. GRCh37 (hg19) VCF-style: chr10-27382342-T-C.
Other names: c.467A>G, p.Asn156Ser (NM_001256053.2); short protein forms N156S.
Identifiers: ClinVar variation 4579841 (VCV004579841.1).